The following is an entry in ClinVar:

NM_031308.4(EPPK1):c.1630A>G (p.Lys544Glu)

Gene: EPPK1 (epiplakin 1; minus strand). Cytogenetic location: 8q24.3.
Variant type: single nucleotide variant.
Coding change: c.1630A>G on transcript NM_031308.4 (MANE Select); coding-DNA position 1630, A replaced by G.
Protein change: p.Lys544Glu; replaces lysine 544 with glutamic acid.
Molecular consequence: missense variant.
Genome position (GRCh38, 1-based): chr8:143,871,624, T>C on the plus strand (A>G on the coding strand, the complement: EPPK1 is on the minus strand). VCF-style: chr8-143871624-T-C. GRCh37 (hg19) VCF-style: chr8-144945792-T-C.
Other names: short protein forms K544E.
Identifiers: ClinVar variation 3035216 (VCV003035216.2), dbSNP rs13255110, ClinGen allele CA4923304.
Genomic context (GRCh38, chr8:143,871,624, plus strand): 5'-TCAGCCCAGAAAAGGTGACCCTGGCAGTGGCTGCAGCCTGCTCGAGGGTGGCGCTCAGCT[T>C]AGCGGCCAGCTTCTCCACGGAGAGGGTCCCTTCCTGGTACTGCTGGGCCAGCATCGCCCT-3'
Protein context (NP_112598.3, residues 534-554): GTLSVEKLAA[Lys544Glu]LSATLEQAAA

ClinVar aggregate classification (germline): Benign (0 of 4 stars; one submission).

Conditions:
EPPK1-related disorder. Also called: EPPK1-related condition.

Allele frequency attached by ClinVar (database versions not stated): 1000 Genomes Project 0.56250; 1000 Genomes Project 30x 0.57074; ExAC 0.64855; gnomAD 0.65382; TOPMed 0.65682; gnomAD exomes 0.66864; ESP Exome Variant Server 0.68169.
gnomAD v4.1: 1,069,468 of 1,603,762 alleles (67%); highest among the groups gnomAD compares: Middle Eastern, 71%; 360,810 homozygotes.

Submission:

PreventionGenetics, part of Exact Sciences
Classification: Benign for EPPK1-related condition. Last evaluated: 2021-04-12. Review status: no assertion criteria provided. Collection method: clinical testing. Allele origin: germline.
Comment: This variant is classified as benign based on ACMG/AMP sequence variant interpretation guidelines (Richards et al. 2015 PMID: 25741868, with internal and published modifications).